The following is an entry in ClinVar:

ClinVar aggregate classification (germline): Uncertain significance. Review status: criteria provided, multiple submitters, no conflicts (2 of 4 stars). 2 submissions from 2 submitters: Uncertain significance (2). Last evaluated 2026-05-14.

Allele frequency attached by ClinVar (database versions not stated): gnomAD 0.00001; ESP Exome Variant Server 0.00008; TOPMed below 0.00001.

Submissions (2):

Ambry Genetics
Classification: Uncertain significance. Last evaluated: 2026-05-14. Review status: criteria provided, single submitter. Criteria: Ambry Variant Classification Scheme 2023. Collection method: clinical testing. Allele origin: germline.

Labcorp Genetics (formerly Invitae), Labcorp
Classification: Uncertain significance. Last evaluated: 2022-11-13. Review status: criteria provided, single submitter. Criteria: Invitae Variant Classification Sherloc (09022015). Collection method: clinical testing. Allele origin: germline.
Comment: This variant is present in population databases (rs375558902, gnomAD 0.003%). This sequence change replaces alanine, which is neutral and non-polar, with valine, which is neutral and non-polar, at codon 124 of the KCNK4 protein (p.Ala124Val). This variant has not been reported in the literature in individuals affected with KCNK4-related conditions. Algorithms developed to predict the effect of missense changes on protein structure and function are either unavailable or do not agree on the potential impact of this missense change (SIFT: "Not Available"; PolyPhen-2: "Probably Damaging"; Align-GVGD: "Not Available"). In summary, the available evidence is currently insufficient to determine the role of this variant in disease. Therefore, it has been classified as a Variant of Uncertain Significance.

NM_033310.3(KCNK4):c.371C>T (p.Ala124Val)

Genes: KCNK4 (potassium two pore domain channel subfamily K member 4; plus strand), KCNK4-CATSPERZ (KCNK4-CATSPERZ readthrough (NMD candidate); plus strand). Cytogenetic location: 11q13.1.
Variant type: single nucleotide variant.
Coding change: c.371C>T on transcript NM_033310.3 (MANE Select); coding-DNA position 371, C replaced by T.
Protein change: p.Ala124Val; replaces alanine 124 with valine.
Molecular consequence: missense variant. On other transcripts: non-coding transcript variant (3).
Genome position (GRCh38, 1-based): chr11:64,297,176, C>T. VCF-style: chr11-64297176-C-T. GRCh37 (hg19) VCF-style: chr11-64064648-C-T.
Other names: c.371C>T (NM_033310.2); c.371C>T, p.Ala124Val (NM_001317090.2, NM_033311.1); short protein forms A124V.
Identifiers: ClinVar variation 2019986 (VCV002019986.5), dbSNP rs375558902, ClinGen allele CA223878280.